The following is an entry in ClinVar:

NM_000257.4(MYH7):c.902T>G (p.Leu301Arg)

Gene: MYH7 (myosin heavy chain 7; minus strand). Cytogenetic location: 14q11.2.
Variant type: single nucleotide variant.
Coding change: c.902T>G on transcript NM_000257.4 (MANE Select); coding-DNA position 902, T replaced by G.
Protein change: p.Leu301Arg; replaces leucine 301 with arginine.
Molecular consequence: missense variant.
Genome position (GRCh38, 1-based): chr14:23,430,657, A>C on the plus strand (T>G on the coding strand, the complement: MYH7 is on the minus strand). VCF-style: chr14-23430657-A-C. GRCh37 (hg19) VCF-style: chr14-23899866-A-C.
Other names: c.902T>G, p.Leu301Arg (NM_001407004.1); short protein forms L301R.
Identifiers: ClinVar variation 2135797 (VCV002135797.4), dbSNP rs2502308912, ClinGen allele CA389051786.

ClinVar aggregate classification (germline): Likely pathogenic (1 of 4 stars; one submission).

Conditions:
Hypertrophic cardiomyopathy. Also called: HYPERTROPHIC MYOCARDIOPATHY. Identifiers: Orphanet 217569, MedGen C0007194, MeSH D002312, MONDO:0005045, HP:0001639.

Submission:

Labcorp Genetics (formerly Invitae), Labcorp
Classification: Likely pathogenic for Hypertrophic cardiomyopathy. Last evaluated: 2022-09-26. Review status: criteria provided, single submitter. Criteria: Invitae Variant Classification Sherloc (09022015). Collection method: clinical testing. Allele origin: germline.
Comment: This sequence change replaces leucine, which is neutral and non-polar, with arginine, which is basic and polar, at codon 301 of the MYH7 protein (p.Leu301Arg). This variant is not present in population databases (gnomAD no frequency). This variant has not been reported in the literature in individuals affected with MYH7-related conditions. Advanced modeling of protein sequence and biophysical properties (such as structural, functional, and spatial information, amino acid conservation, physicochemical variation, residue mobility, and thermodynamic stability) performed at Invitae indicates that this missense variant is expected to disrupt MYH7 protein function. This variant disrupts the p.Leu301 amino acid residue in MYH7. Other variant(s) that disrupt this residue have been determined to be pathogenic (PMID: 17947214). This suggests that this residue is clinically significant, and that variants that disrupt this residue are likely to be disease-causing. In summary, the currently available evidence indicates that the variant is pathogenic, but additional data are needed to prove that conclusively. Therefore, this variant has been classified as Likely Pathogenic.

Literature cited by the submitters: PubMed 17947214.